The following is an entry in ClinVar:

NM_001148.6(ANK2):c.3741G>A (p.Met1247Ile)

Gene: ANK2 (ankyrin 2; plus strand). Cytogenetic location: 4q26.
Variant type: single nucleotide variant.
Coding change: c.3741G>A on transcript NM_001148.6 (MANE Select); coding-DNA position 3741, G replaced by A.
Protein change: p.Met1247Ile; replaces methionine 1247 with isoleucine.
Molecular consequence: missense variant.
Genome position (GRCh38, 1-based): chr4:113,336,726, G>A. VCF-style: chr4-113336726-G-A. GRCh37 (hg19) VCF-style: chr4-114257882-G-A.
Other names: c.3714G>A, p.Met1238Ile (NM_001127493.3); c.3753G>A, p.Met1251Ile (NM_001354225.2); c.3642G>A, p.Met1214Ile (NM_001354228.2, NM_001354258.2); c.3720G>A, p.Met1240Ile (NM_001354230.2); c.3783G>A, p.Met1261Ile (NM_001354231.2, NM_001354242.2); c.3777G>A, p.Met1259Ile (NM_001354232.2); c.3738G>A, p.Met1246Ile (NM_001354235.2, NM_001354246.2, NM_001354265.2); c.3639G>A, p.Met1213Ile (NM_001354236.2); and 31 more; short protein forms M1086I, M1119I, M1147I, M1152I, M1160I, M1172I, M1176I, M1180I.
Identifiers: ClinVar variation 2580989 (VCV002580989.3), dbSNP rs373084223, ClinGen allele CA3050909.

ClinVar aggregate classification (germline): Uncertain significance. Review status: criteria provided, multiple submitters, no conflicts (2 of 4 stars). 2 submissions from 2 submitters: Uncertain significance (2). Last evaluated 2025-03-18.

Conditions:
Cardiac arrhythmia, ankyrin-B-related. Also called: ANKYRIN-B SYNDROME. Identifiers: Orphanet 101016, Orphanet 768, MedGen C1970119, MONDO:0010958, OMIM 600919.
Cardiovascular phenotype. Identifiers: MedGen CN230736.

Allele frequency attached by ClinVar (database versions not stated): gnomAD exomes below 0.00001; ExAC 0.00001; gnomAD 0.00001; TOPMed 0.00001; ESP Exome Variant Server 0.00008.

Submissions (2):

Ambry Genetics
Classification: Uncertain significance for Cardiovascular phenotype. Last evaluated: 2025-03-18. Review status: criteria provided, single submitter. Criteria: Ambry Variant Classification Scheme 2023. Collection method: clinical testing. Allele origin: germline.
Comment: The p.M1247I variant (also known as c.3741G>A), located in coding exon 31 of the ANK2 gene, results from a G to A substitution at nucleotide position 3741. The methionine at codon 1247 is replaced by isoleucine, an amino acid with highly similar properties. This amino acid position is conserved. In addition, this alteration is predicted to be tolerated by in silico analysis. Based on the available evidence, the clinical significance of this variant remains unclear.

Dr. med. U. Finckh, Human Genetics, Eurofins MVZ
Classification: Uncertain significance for Cardiac arrhythmia, ankyrin-B-related. Last evaluated: 2020-04-11. Review status: criteria provided, single submitter. Criteria: ACMG Guidelines, 2015. Collection method: clinical testing. Allele origin: unknown.